The following is an entry in ClinVar:

ClinVar aggregate classification (germline): Uncertain significance (1 of 4 stars; one submission).

Conditions:
Cardiomyopathy (CMYO). Also called: Cardiomyopathies. Identifiers: Orphanet 167848, MedGen C0878544, MONDO:0004994, HP:0001638. Inheritance: Various modes of inheritance.

gnomAD v4.1: 2 of 1,530,308 alleles (0.00013%); highest among the groups gnomAD compares: Non-Finnish European, 0.000087%; no homozygotes.

Submission:

Color Diagnostics, LLC DBA Color Health
Classification: Uncertain significance for Cardiomyopathy. Last evaluated: 2025-11-03. Review status: criteria provided, single submitter. Criteria: ACMG Guidelines, 2015. Collection method: clinical testing. Allele origin: germline.
Comment: This missense variant replaces alanine with threonine at codon 13 of the DSC2 protein. Computational prediction suggests that this variant may not impact protein structure and function. To our knowledge, functional studies have not been reported for this variant. This variant has not been reported in individuals affected with DSC2-related disorders in the literature. This variant has been identified in 2/1378132 chromosomes in the general population by the Genome Aggregation Database (gnomAD). The available evidence is insufficient to determine the role of this variant in disease conclusively. Therefore, this variant is classified as a Variant of Uncertain Significance.

NM_024422.6(DSC2):c.37G>A (p.Ala13Thr)

Genes: DSC2 (desmocollin 2; minus strand), DSCAS (DSC1/DSC2 antisense RNA; plus strand). Cytogenetic location: 18q12.1.
Variant type: single nucleotide variant.
Coding change: c.37G>A on transcript NM_024422.6 (MANE Select); coding-DNA position 37, G replaced by A.
Protein change: p.Ala13Thr; replaces alanine 13 with threonine.
Molecular consequence: missense variant.
Genome position (GRCh38, 1-based): chr18:31,101,935, C>T on the plus strand (G>A on the coding strand, the complement: DSC2 is on the minus strand). VCF-style: chr18-31101935-C-T. GRCh37 (hg19) VCF-style: chr18-28681898-C-T.
Other names: c.37G>A, p.Ala13Thr (NM_004949.5); short protein forms A13T.
Identifiers: ClinVar variation 4758189 (VCV004758189.1).